The following is an entry in ClinVar:

ClinVar aggregate classification (germline): Uncertain significance. Review status: criteria provided, multiple submitters, no conflicts (2 of 4 stars). 2 submissions from 2 submitters: Uncertain significance (2). Last evaluated 2024-07-08.

Conditions:
Inborn genetic diseases. Identifiers: MedGen C0950123, MeSH D030342.
Intellectual developmental disorder with autism and macrocephaly. Also called: Autism, susceptibility to, 18; CHD8-Related Neurodevelopmental Disorder with Overgrowth. Identifiers: Orphanet 642675, MedGen C3554373, MONDO:0014017, OMIM 615032.

Allele frequency attached by ClinVar (database versions not stated): gnomAD exomes below 0.00001; TOPMed 0.00001.
gnomAD v4.1: 1 of 1,614,016 alleles (0.000062%); highest among the groups gnomAD compares: Non-Finnish European, 0.000085%; no homozygotes.

Submissions (2):

Laboratorio de Genetica e Diagnostico Molecular, Hospital Israelita Albert Einstein
Classification: Uncertain significance for Intellectual developmental disorder with autism and macrocephaly. Last evaluated: 2024-07-08. Review status: criteria provided, single submitter. Criteria: ACMG Guidelines, 2015. Collection method: clinical testing. Allele origin: germline. Affected: yes.
Comment: ACMG classification criteria: PM2 supporting, PP2 supporting, BP4 supporting

Ambry Genetics
Classification: Uncertain significance for Inborn genetic diseases. Last evaluated: 2023-12-18. Review status: criteria provided, single submitter. Criteria: Ambry Variant Classification Scheme 2023. Collection method: clinical testing. Allele origin: germline.

NM_001170629.2(CHD8):c.1076C>T (p.Ser359Leu)

Gene: CHD8 (chromodomain helicase DNA binding protein 8; minus strand). Cytogenetic location: 14q11.2.
Variant type: single nucleotide variant.
Coding change: c.1076C>T on transcript NM_001170629.2 (MANE Select); coding-DNA position 1076, C replaced by T.
Protein change: p.Ser359Leu; replaces serine 359 with leucine.
Molecular consequence: missense variant.
Genome position (GRCh38, 1-based): chr14:21,429,103, G>A on the plus strand (C>T on the coding strand, the complement: CHD8 is on the minus strand). VCF-style: chr14-21429103-G-A. GRCh37 (hg19) VCF-style: chr14-21897262-G-A.
Other names: c.239C>T, p.Ser80Leu (NM_020920.4); short protein forms S80L, S359L.
Identifiers: ClinVar variation 3144202 (VCV003144202.2), dbSNP rs1889452845, ClinGen allele CA388884810.
Genomic context (GRCh38, chr14:21,429,103, plus strand): 5'-TGTACAGAGGACAGAGTCACTGGCTGGGTGGAGGGTGGCTGCTGGGGCTGTGGCTGCGAT[G>A]ATGGTGGTTGTGGTACAATCTGGATTTTTTGCTGTGGCTGCTGCACCTGCAGCTGGATAG-3'
Protein context (NP_001164100.1, residues 349-369): QKIQIVPQPP[Ser359Leu]SQPQPQQPPS